The following is an entry in ClinVar:

NM_030665.4(RAI1):c.2731A>C (p.Lys911Gln)

Gene: RAI1 (retinoic acid induced 1; plus strand). Cytogenetic location: 17p11.2.
Variant type: single nucleotide variant.
Coding change: c.2731A>C on transcript NM_030665.4 (MANE Select); coding-DNA position 2731, A replaced by C.
Protein change: p.Lys911Gln; replaces lysine 911 with glutamine.
Molecular consequence: missense variant.
Genome position (GRCh38, 1-based): chr17:17,795,679, A>C. VCF-style: chr17-17795679-A-C. GRCh37 (hg19) VCF-style: chr17-17698993-A-C.
Other names: short protein forms K911Q.
Identifiers: ClinVar variation 2628468 (VCV002628468.3), dbSNP rs1485764904, ClinGen allele CA398551874.

ClinVar aggregate classification (germline): Uncertain significance. Review status: criteria provided, multiple submitters, no conflicts (2 of 4 stars). 2 submissions from 2 submitters: Uncertain significance (2). Last evaluated 2025-03-30.

Conditions:
RAI1-related disorder. Also called: RAI1-related condition.

gnomAD v4.1: 7 of 1,613,342 alleles (0.00043%); highest among the groups gnomAD compares: Non-Finnish European, 0.00059%; no homozygotes.

Submissions (2):

Labcorp Genetics (formerly Invitae), Labcorp
Classification: Uncertain significance. Last evaluated: 2025-03-30. Review status: criteria provided, single submitter. Criteria: Invitae Variant Classification Sherloc (09022015). Collection method: clinical testing. Allele origin: germline.
Comment: This sequence change replaces lysine, which is basic and polar, with glutamine, which is neutral and polar, at codon 911 of the RAI1 protein (p.Lys911Gln). This variant is present in population databases (no rsID available, gnomAD 0.0009%). This variant has not been reported in the literature in individuals affected with RAI1-related conditions. ClinVar contains an entry for this variant (Variation ID: 2628468). Invitae Evidence Modeling of protein sequence and biophysical properties (such as structural, functional, and spatial information, amino acid conservation, physicochemical variation, residue mobility, and thermodynamic stability) indicates that this missense variant is not expected to disrupt RAI1 protein function with a negative predictive value of 80%. In summary, the available evidence is currently insufficient to determine the role of this variant in disease. Therefore, it has been classified as a Variant of Uncertain Significance.

PreventionGenetics, part of Exact Sciences
Classification: Uncertain significance for RAI1-related condition. Last evaluated: 2023-08-17. Review status: criteria provided, single submitter. Criteria: ACMG Guidelines, 2015. Collection method: clinical testing. Allele origin: germline.
Comment: The RAI1 c.2731A>C variant is predicted to result in the amino acid substitution p.Lys911Gln. To our knowledge, this variant has not been reported in the literature. This variant is reported in 0.00089% of alleles in individuals of European (Non-Finnish) descent in gnomAD. At this time, the clinical significance of this variant is uncertain due to the absence of conclusive functional and genetic evidence.